The following is an entry in ClinVar:

NM_001875.5(CPS1):c.2201T>A (p.Leu734Ter)

Gene: CPS1 (carbamoyl-phosphate synthase 1; plus strand). Cytogenetic location: 2q34.
Variant type: single nucleotide variant.
Coding change: c.2201T>A on transcript NM_001875.5 (MANE Select); coding-DNA position 2201, T replaced by A.
Protein change: p.Leu734Ter; replaces leucine 734 with a stop codon.
Molecular consequence: nonsense. On other transcripts: non-coding transcript variant (2).
Genome position (GRCh38, 1-based): chr2:210,608,369, T>A. VCF-style: chr2-210608369-T-A. GRCh37 (hg19) VCF-style: chr2-211473093-T-A.
Other names: c.2201T>A, p.Leu734Ter (NM_001122633.3, NM_001369257.1); c.2234T>A, p.Leu745Ter (NM_001369256.1); short protein forms L734*, L745*.
Identifiers: ClinVar variation 983623 (VCV000983623.3), dbSNP rs1574586310, ClinGen allele CA350439437.

ClinVar aggregate classification (germline): Likely pathogenic (1 of 4 stars; one submission).

Conditions:
Congenital hyperammonemia, type I. Also called: Carbamoyl phosphate synthetase I deficiency disease; Carbamoyl phosphate synthetase 1 deficiency; Hyperammonemia due to carbamoyl phosphate synthetase 1 deficiency; CPS 1 deficiency; Carbamyl phosphate synthetase (CPS) deficiency; Carbamoyl-phosphate synthase I deficiency. Identifiers: Orphanet 147, MedGen C4082171, MONDO:0009376, OMIM 237300.

Submission:

Myriad Genetics, Inc.
Classification: Likely pathogenic for Congenital hyperammonemia, type I. Last evaluated: 2019-05-31. Review status: criteria provided, single submitter. Criteria: Myriad Women's Health Autosomal Recessive and X-Linked Classification Criteria (2019). Collection method: clinical testing. Allele origin: unknown.
Comment: NM_001875.4(CPS1):c.2201T>A(L734*) is expected to be pathogenic in the context of carbamoylphosphate synthetase I deficiency. This variant is predicted to lead to an abnormal or absent protein product due to the creation of a premature termination codon in CPS1, a gene where loss-of-function variants are known to be pathogenic. Please note: this variant was assessed in the context of healthy population screening.